The following is an entry in ClinVar:

NM_002468.5(MYD88):c.79A>C (p.Met27Leu)

Gene: MYD88 (MYD88 innate immune signal transduction adaptor; plus strand). Cytogenetic location: 3p22.2.
Variant type: single nucleotide variant.
Coding change: c.79A>C on transcript NM_002468.5 (MANE Select); coding-DNA position 79, A replaced by C.
Protein change: p.Met27Leu; replaces methionine 27 with leucine.
Molecular consequence: missense variant.
Genome position (GRCh38, 1-based): chr3:38,138,779, A>C. VCF-style: chr3-38138779-A-C. GRCh37 (hg19) VCF-style: chr3-38180270-A-C.
Other names: c.79A>C, p.Met27Leu (NM_001172566.2, NM_001172567.2, NM_001172568.2 and 4 more transcripts); short protein forms M27L, M40L.
Identifiers: ClinVar variation 4804652 (VCV004804652.1).
Genomic context (GRCh38, chr3:38,138,779, plus strand): 5'-GGCGCGGGGTCTGCGGCCCCGGTCTCCTCCACATCCTCCCTTCCCCTGGCTGCTCTCAAC[A>C]TGCGAGTGCGGCGCCGCCTGTCTCTGTTCTTGAACGTGCGGACACAGGTGGCGGCCGACT-3'
Protein context (NP_002459.3, residues 17-37): TSSLPLAALN[Met27Leu]RVRRRLSLFL

ClinVar aggregate classification (germline): Uncertain significance (1 of 4 stars; one submission).

Conditions:
Pyogenic bacterial infections due to MyD88 deficiency (IMD68). Also called: PYOGENIC BACTERIAL INFECTIONS, RECURRENT, DUE TO MYD88 DEFICIENCY. Identifiers: Orphanet 183713, MedGen C2677092, MONDO:0012839, OMIM 612260.

Submission:

Labcorp Genetics (formerly Invitae), Labcorp
Classification: Uncertain significance for Pyogenic bacterial infections due to MyD88 deficiency. Last evaluated: 2025-10-27. Review status: criteria provided, single submitter. Criteria: Invitae Variant Classification Sherloc (09022015). Collection method: clinical testing. Allele origin: germline.
Comment: This sequence change replaces methionine, which is neutral and non-polar, with leucine, which is neutral and non-polar, at codon 40 of the MYD88 protein (p.Met40Leu). This variant is not present in population databases (gnomAD no frequency). This variant has not been reported in the literature in individuals affected with MYD88-related conditions. An algorithm developed to predict the effect of missense changes on protein structure and function (PolyPhen-2) suggests that this variant is likely to be tolerated. In summary, the available evidence is currently insufficient to determine the role of this variant in disease. Therefore, it has been classified as a Variant of Uncertain Significance.